The following is an entry in ClinVar:

ClinVar aggregate classification (germline): Uncertain significance (1 of 4 stars; one submission).

Submission:

Genetic Services Laboratory, University of Chicago
Classification: Uncertain significance. Last evaluated: 2021-07-29. Review status: criteria provided, single submitter. Criteria: ACMG Guidelines, 2015. Collection method: clinical testing. Allele origin: germline. Affected: no.
Comment: DNA sequence analysis of the ATM gene demonstrated a sequence change, c.5546T>C, in exon 37 that results in an amino acid change, p.Ile1849Thr. This sequence change has not been described in population databases including gnomAD. The p.Ile1849Thr change affects a highly conserved amino acid residue located in a domain of the ATM protein that is known to be functional. The p.Ile1849Thr substitution appears to be deleterious using several in-silico pathogenicity prediction tools (SIFT, PolyPhen2, Align GVGD, REVEL). This sequence change does not appear to have been previously described in individuals with ATM-related disorders. Due to insufficient evidences and the lack of functional studies, the clinical significance of the p.Ile1849Thr change remains unknown at this time.

NM_000051.4(ATM):c.5546T>C (p.Ile1849Thr)

Gene: ATM (ATM serine/threonine kinase; plus strand). Cytogenetic location: 11q22.3.
Variant type: single nucleotide variant.
Coding change: c.5546T>C on transcript NM_000051.4 (MANE Select); coding-DNA position 5546, T replaced by C.
Protein change: p.Ile1849Thr; replaces isoleucine 1849 with threonine.
Molecular consequence: missense variant.
Genome position (GRCh38, 1-based): chr11:108,304,724, T>C. VCF-style: chr11-108304724-T-C. GRCh37 (hg19) VCF-style: chr11-108175451-T-C.
Other names: c.5546T>C, p.Ile1849Thr (NM_001351834.2); short protein forms I1849T.
Identifiers: ClinVar variation 1338011 (VCV001338011.4), dbSNP rs2135943454, ClinGen allele CA382545963.